The following is an entry in ClinVar:

ClinVar aggregate classification (germline): Uncertain significance (1 of 4 stars; one submission).

Allele frequency attached by ClinVar (database versions not stated): ExAC 0.00001; gnomAD exomes 0.00001.
gnomAD v4.1: 13 of 1,613,242 alleles (0.00081%); highest among the groups gnomAD compares: Non-Finnish European, 0.00093%; no homozygotes.

Submission:

Labcorp Genetics (formerly Invitae), Labcorp
Classification: Uncertain significance. Last evaluated: 2022-10-24. Review status: criteria provided, single submitter. Criteria: Invitae Variant Classification Sherloc (09022015). Collection method: clinical testing. Allele origin: germline.
Comment: In summary, the available evidence is currently insufficient to determine the role of this variant in disease. Therefore, it has been classified as a Variant of Uncertain Significance. Algorithms developed to predict the effect of missense changes on protein structure and function are either unavailable or do not agree on the potential impact of this missense change (SIFT: "Not Available"; PolyPhen-2: "Benign"; Align-GVGD: "Not Available"). This variant has not been reported in the literature in individuals affected with MYO18B-related conditions. This variant is present in population databases (rs757780976, gnomAD 0.002%). This sequence change replaces glutamine, which is neutral and polar, with glutamic acid, which is acidic and polar, at codon 1881 of the MYO18B protein (p.Gln1881Glu).

NM_032608.7(MYO18B):c.5641C>G (p.Gln1881Glu)

Gene: MYO18B (myosin XVIIIB; plus strand). Cytogenetic location: 22q12.1.
Variant type: single nucleotide variant.
Coding change: c.5641C>G on transcript NM_032608.7 (MANE Select); coding-DNA position 5641, C replaced by G.
Protein change: p.Gln1881Glu; replaces glutamine 1881 with glutamic acid.
Molecular consequence: missense variant.
Genome position (GRCh38, 1-based): chr22:25,947,721, C>G. VCF-style: chr22-25947721-C-G. GRCh37 (hg19) VCF-style: chr22-26343687-C-G.
Other names: c.5644C>G, p.Gln1882Glu (NM_001318245.2); short protein forms Q1882E, Q1881E.
Identifiers: ClinVar variation 2180608 (VCV002180608.4), dbSNP rs757780976, ClinGen allele CA10161236.
Genomic context (GRCh38, chr22:25,947,721, plus strand): 5'-CCCATCCCTCACCCTCTCACCTTGCCTTGACCACTGATCTGCCTCCCCCAGGTGGATGAG[C>G]AGCTGTACAGGCTGCAGTTTGAGAAGGCGGACCTCCTGAAGCGCATCGATGAGGACCAGG-3'
Protein context (NP_115997.5, residues 1871-1891): MTRNKSLVDE[Gln1881Glu]LYRLQFEKAD